The following is an entry in ClinVar:

ClinVar aggregate classification (germline): Pathogenic/Likely pathogenic. Review status: criteria provided, multiple submitters, no conflicts (2 of 4 stars). 6 submissions from 6 submitters: Pathogenic (2); Likely pathogenic (3). 1 of the submissions does not count toward it. Last evaluated 2025-12-03.

Conditions:
Wolfram-like syndrome. Also called: HEARING LOSS, PROGRESSIVE, WITH OPTIC ATROPHY AND/OR IMPAIRED GLUCOSE REGULATION. Identifiers: Orphanet 411590, MedGen C3280358, MONDO:0013673, OMIM 614296.
Type 2 diabetes mellitus. Also called: Type II diabetes mellitus. Identifiers: MedGen C0011860, MeSH D003924, MONDO:0005148, OMIM 125853, HP:0005978.
Cataract 41 (CTRCT41). Also called: CATARACT 41, CONGENITAL NUCLEAR TYPE. Identifiers: Orphanet 91492, Orphanet 98991, Orphanet 98992, Orphanet 98995, MedGen C3805412, MONDO:0007287, OMIM 116400.
Autosomal dominant nonsyndromic hearing loss 6 (LFSNHL). Also called: DEAFNESS, AUTOSOMAL DOMINANT 14; DEAFNESS, AUTOSOMAL DOMINANT 38; Autosomal dominant nonsyndromic deafness 6; DEAFNESS, AUTOSOMAL DOMINANT 6. Identifiers: Orphanet 90635, MedGen C1833021, MONDO:0010963, OMIM 600965.
Wolfram syndrome 1 (WFS1). Identifiers: Orphanet 3463, MedGen C4551693, MONDO:0009101, OMIM 222300.
WFS1-related disorder. Identifiers: MedGen CN379391, MONDO:0700293.

Submissions (6):

Labcorp Genetics (formerly Invitae), Labcorp
Classification: Pathogenic. Last evaluated: 2025-12-03. Review status: criteria provided, single submitter. Criteria: Invitae Variant Classification Sherloc (09022015). Collection method: clinical testing. Allele origin: germline.
Comment: This sequence change is expected to alter the c-terminus of the WFS1 protein (p.Phe882Serfs*69). While this is not anticipated to result in nonsense mediated decay, it is expected to disrupt the last 9 amino acid(s) of the WFS1 protein and extend the protein by 59 additional amino acid residues. This variant is present in population databases (no rsID available, gnomAD 0.003%). This frameshift has been observed in individual(s) with autosomal recessive Wolfram syndrome (PMID: 19042979, 25895475). In at least one individual the data is consistent with being in trans (on the opposite chromosome) from a pathogenic variant. It has also been observed to segregate with disease in related individuals. ClinVar contains an entry for this variant (Variation ID: 562467). For these reasons, this variant has been classified as Pathogenic.

Blueprint Genetics
Classification: Pathogenic for WFS1-related disorders. Last evaluated: 2024-02-20. Review status: criteria provided, single submitter. Criteria: ACMG Guidelines, 2015. Collection method: clinical testing. Allele origin: germline. Affected: yes. Observed: 2 variant alleles.

Fulgent Genetics
Classification: Likely pathogenic for Cataract 41; Type 2 diabetes mellitus; Wolfram syndrome 1; Autosomal dominant nonsyndromic hearing loss 6; Wolfram-like syndrome. Last evaluated: 2021-07-19. Review status: criteria provided, single submitter. Criteria: ACMG Guidelines, 2015. Collection method: clinical testing. Allele origin: unknown.

Breda Genetics srl
Classification: Likely pathogenic for Wolfram syndrome 1. Last evaluated: 2021-04-30. Review status: criteria provided, single submitter. Criteria: ACMG Guidelines, 2015. Collection method: clinical testing. Allele origin: germline. Inheritance: Autosomal recessive inheritance. Affected: yes. Observed: 1 variant allele, 1 compound heterozygote.
Comment: The variant c.2643_2646del (p.Phe882Serfs*69) in the WFS1 gene is reported as likely pathogenic in ClinVar (Variation ID:562467) and as affects function in the Global Variome shared LOVD database v.3.0. It is likely to result in the alteration of the C-terminal end of the WFS1 protein. The variant is reported with an estimated allele frequency of 0.000008 in gnomAD exomes, with no homozygous individuals reported. Many other small deletions, falling around the c.2643_2646del (p.Phe882Serfs*69) variant, are reported as pathogenic in ClinVar. The c.2643_2646del (p.Phe882Serfs*69) variant was firstly reported in a patient with Wolfram syndrome by Gasparin et al. (2009, PMID:19042979).

Clinical Genomics, Uppaluri K&H Personalized Medicine Clinic
Classification: Likely pathogenic for Wolfram syndrome 1. Review status: criteria provided, single submitter. Criteria: K & H Uppaluri Personalized Medicine Clinic Variant Classification & Assertion Criteria_Updated V.1. Collection method: research. Allele origin: unknown. Inheritance: Autosomal recessive inheritance.
Comment: Potent mutations in WFS1 gene are associated with Wolfram's syndrome, an autosomal recessive condition, which cause diabetes mellitus, diabetes insipidus, deafness and optic atrophy.However no sufficient evidence is found to ascertain the role of this particular variant rs1560422383 in Wolfram's syndrome yet.

Gharavi Laboratory, Columbia University
Classification: Likely pathogenic. Last evaluated: 2018-09-16. Review status: no assertion criteria provided. Criteria: ACMG Guidelines, 2015. Collection method: research. Allele origin: germline. Affected: yes. Not counted in ClinVar's aggregate classification.

Literature cited by the submitters: PubMed 19042979 (cited by Labcorp Genetics (formerly Invitae), Labcorp and Breda Genetics srl); PubMed 25895475 (cited by Labcorp Genetics (formerly Invitae), Labcorp and Breda Genetics srl); PubMed 20738327 (cited by Clinical Genomics, Uppaluri K&H Personalized Medicine Clinic); PubMed 33879153 (cited by Clinical Genomics, Uppaluri K&H Personalized Medicine Clinic); PubMed 12955714 (cited by Clinical Genomics, Uppaluri K&H Personalized Medicine Clinic); PubMed 18060660 (cited by Clinical Genomics, Uppaluri K&H Personalized Medicine Clinic); PubMed 20301750 (cited by Clinical Genomics, Uppaluri K&H Personalized Medicine Clinic); PubMed 17603484 (cited by Clinical Genomics, Uppaluri K&H Personalized Medicine Clinic).

NM_006005.3(WFS1):c.2643_2646del (p.Phe882fs)

Gene: WFS1 (wolframin ER transmembrane glycoprotein; plus strand). Cytogenetic location: 4p16.1.
Variant type: Deletion.
Coding change: c.2643_2646del on transcript NM_006005.3 (MANE Select); coding-DNA positions 2643 to 2646, 4 bases deleted (CTTT; older notation c.2643_2646delCTTT).
Protein change: p.Phe882fs; shifts the reading frame from phenylalanine 882.
Molecular consequence: frameshift variant.
Genome position (GRCh38, 1-based): chr4:6,302,438-6,302,441, CTTT deleted; deleting any 4 consecutive bases within chr4:6,302,436-6,302,441 gives the same sequence; the c. name uses the placement nearest the transcript's 3' end. VCF-style (leftmost placement, unchanged base first): chr4-6302435-CTTCT-C. GRCh37 (hg19) VCF-style: chr4-6304162-CTTCT-C.
Other names: c.2643_2646del, p.Phe882fs (NM_001145853.1); short protein forms F882fs.
Identifiers: ClinVar variation 562467 (VCV000562467.8), dbSNP rs1560422383, ClinGen allele CA549708054.